The following is an entry in ClinVar:

ClinVar aggregate classification (germline): Uncertain significance (1 of 4 stars; one submission).

Conditions:
Familial cold autoinflammatory syndrome 2 (FCAS2). Identifiers: Orphanet 247868, MedGen C2673198, MONDO:0012724, OMIM 611762.

Allele frequency attached by ClinVar (database versions not stated): gnomAD exomes 0.00001.
gnomAD v4.1: 3 of 1,614,088 alleles (0.00019%); highest among the groups gnomAD compares: Admixed American, 0.0033%; no homozygotes.

Submission:

Labcorp Genetics (formerly Invitae), Labcorp
Classification: Uncertain significance for Familial cold autoinflammatory syndrome 2. Last evaluated: 2024-01-11. Review status: criteria provided, single submitter. Criteria: Invitae Variant Classification Sherloc (09022015). Collection method: clinical testing. Allele origin: germline.
Comment: This sequence change replaces arginine, which is basic and polar, with histidine, which is basic and polar, at codon 561 of the NLRP12 protein (p.Arg561His). This variant is present in population databases (no rsID available, gnomAD 0.006%). This variant has not been reported in the literature in individuals affected with NLRP12-related conditions. Advanced modeling of protein sequence and biophysical properties (such as structural, functional, and spatial information, amino acid conservation, physicochemical variation, residue mobility, and thermodynamic stability) performed at Invitae indicates that this missense variant is not expected to disrupt NLRP12 protein function with a negative predictive value of 80%. In summary, the available evidence is currently insufficient to determine the role of this variant in disease. Therefore, it has been classified as a Variant of Uncertain Significance.

NM_144687.4(NLRP12):c.1682G>A (p.Arg561His)

Gene: NLRP12 (NLR family pyrin domain containing 12; minus strand). Cytogenetic location: 19q13.42.
Variant type: single nucleotide variant.
Coding change: c.1682G>A on transcript NM_144687.4 (MANE Select); coding-DNA position 1682, G replaced by A.
Protein change: p.Arg561His; replaces arginine 561 with histidine.
Molecular consequence: missense variant.
Genome position (GRCh38, 1-based): chr19:53,809,977, C>T on the plus strand (G>A on the coding strand, the complement: NLRP12 is on the minus strand). VCF-style: chr19-53809977-C-T. GRCh37 (hg19) VCF-style: chr19-54313231-C-T.
Other names: c.1682G>A, p.Arg561His (NM_001277126.2, NM_001277129.1); short protein forms R561H.
Identifiers: ClinVar variation 2890223 (VCV002890223.3), dbSNP rs1276930622, ClinGen allele CA407412908.